The following is an entry in ClinVar:

ClinVar aggregate classification (germline): Uncertain significance. Review status: criteria provided, multiple submitters, no conflicts (2 of 4 stars). 3 submissions from 3 submitters: Uncertain significance (3). Last evaluated 2023-12-28.

Conditions:
Inborn genetic diseases. Identifiers: MedGen C0950123, MeSH D030342.
Familial hemophagocytic lymphohistiocytosis 3 (FHL3). Also called: UNC13D-Related Familial Hemophagocytic Lymphohistiocytosis (UNC13D-fHLH). Identifiers: Orphanet 540, MedGen C1837174, MONDO:0012146, OMIM 608898.

Allele frequency attached by ClinVar (database versions not stated): gnomAD exomes below 0.00001 and 0.00003; gnomAD 0.00001; TOPMed 0.00001.
gnomAD v4.1: 48 of 1,613,502 alleles (0.003%); highest among the groups gnomAD compares: Middle Eastern, 0.017%; no homozygotes.

Submissions (3):

Labcorp Genetics (formerly Invitae), Labcorp
Classification: Uncertain significance for Familial hemophagocytic lymphohistiocytosis 3. Last evaluated: 2023-12-28. Review status: criteria provided, single submitter. Criteria: Invitae Variant Classification Sherloc (09022015). Collection method: clinical testing. Allele origin: germline.
Comment: This sequence change replaces serine, which is neutral and polar, with phenylalanine, which is neutral and non-polar, at codon 310 of the UNC13D protein (p.Ser310Phe). This variant is present in population databases (rs757125102, gnomAD 0.0009%). This variant has not been reported in the literature in individuals affected with UNC13D-related conditions. ClinVar contains an entry for this variant (Variation ID: 858409). Advanced modeling of protein sequence and biophysical properties (such as structural, functional, and spatial information, amino acid conservation, physicochemical variation, residue mobility, and thermodynamic stability) performed at Invitae indicates that this missense variant is not expected to disrupt UNC13D protein function with a negative predictive value of 80%. In summary, the available evidence is currently insufficient to determine the role of this variant in disease. Therefore, it has been classified as a Variant of Uncertain Significance.

Ambry Genetics
Classification: Uncertain significance for Inborn genetic diseases. Last evaluated: 2023-06-06. Review status: criteria provided, single submitter. Criteria: Ambry Variant Classification Scheme 2023. Collection method: clinical testing. Allele origin: germline.

Illumina Laboratory Services, Illumina
Classification: Uncertain significance for Familial hemophagocytic lymphohistiocytosis 3. Last evaluated: 2018-01-12. Review status: criteria provided, single submitter. Criteria: ICSL Variant Classification Criteria 13 December 2019. Collection method: clinical testing. Allele origin: germline.

NM_199242.3(UNC13D):c.929C>T (p.Ser310Phe)

Gene: UNC13D (unc-13 homolog D; minus strand). Cytogenetic location: 17q25.1.
Variant type: single nucleotide variant.
Coding change: c.929C>T on transcript NM_199242.3 (MANE Select); coding-DNA position 929, C replaced by T.
Protein change: p.Ser310Phe; replaces serine 310 with phenylalanine.
Molecular consequence: missense variant.
Genome position (GRCh38, 1-based): chr17:75,840,040, G>A on the plus strand (C>T on the coding strand, the complement: UNC13D is on the minus strand). VCF-style: chr17-75840040-G-A. GRCh37 (hg19) VCF-style: chr17-73836121-G-A.
Other names: short protein forms S310F.
Identifiers: ClinVar variation 858409 (VCV000858409.13), dbSNP rs757125102, ClinGen allele CA294089333.
Genomic context (GRCh38, chr17:75,840,040, plus strand): 5'-GGCAGCCCCGGCTGCGCCCAGCCCCAGGAGGGCAATACCTCGTGCTGGGTGACCTCGTGG[G>A]ACACAAGCTGCTGCAGGAGGTGGAGGTGCACGGTGTAGCTCGGCTGCGAGCGGCTGGCCG-3'
Protein context (NP_954712.1, residues 300-320): VHLHLLQQLV[Ser310Phe]HEVTQHEAGS